The following is an entry in ClinVar:

ClinVar aggregate classification (germline): Benign. Review status: criteria provided, multiple submitters, no conflicts (2 of 4 stars). 2 submissions from 2 submitters: Benign (2). Last evaluated 2018-06-16.

Allele frequency attached by ClinVar (database versions not stated): gnomAD exomes 0.08648; gnomAD 0.23711 and 0.23766; TOPMed 0.28193; 1000 Genomes Project 30x 0.41270; 1000 Genomes Project 0.41748.
gnomAD v4.1: 70,547 of 612,046 alleles (12%); highest among the groups gnomAD compares: East Asian, 69%; 12,798 homozygotes.

Submissions (2):

GeneDx
Classification: Benign. Last evaluated: 2018-06-16. Review status: criteria provided, single submitter. Criteria: GeneDx Variant Classification (06012015). Collection method: clinical testing. Allele origin: germline. Affected: yes.
Comment: This variant is considered likely benign or benign based on one or more of the following criteria: it is a conservative change, it occurs at a poorly conserved position in the protein, it is predicted to be benign by multiple in silico algorithms, and/or has population frequency not consistent with disease.

Breakthrough Genomics
Classification: Benign. Review status: criteria provided, single submitter. Criteria: ACMG Guidelines, 2015. Collection method: not provided. Allele origin: germline. Inheritance: X-linked inheritance. Affected: yes.

NM_018486.3(HDAC8):c.165-136A>G

Gene: HDAC8 (histone deacetylase 8; minus strand). Cytogenetic location: Xq13.1.
Variant type: single nucleotide variant.
Coding change: c.165-136A>G on transcript NM_018486.3 (MANE Select); 136 bases into the intron before coding-DNA position 165, A replaced by G.
Molecular consequence: intron variant.
Genome position (GRCh38, 1-based): chrX:72,569,020, T>C on the plus strand (A>G on the coding strand, the complement: HDAC8 is on the minus strand). VCF-style: chrX-72569020-T-C. GRCh37 (hg19) VCF-style: chrX-71788870-T-C.
Other names: c.164+3037A>G (NM_001166418.2, NM_001166448.2); c.165-136A>G (NM_001166419.2, NM_001166422.2, NM_001166420.2).
Identifiers: ClinVar variation 681696 (VCV000681696.2), dbSNP rs3817725, ClinGen allele CA331060378.